The following is an entry in ClinVar:

ClinVar aggregate classification (germline): Uncertain significance (1 of 4 stars; one submission).

Allele frequency attached by ClinVar (database versions not stated): gnomAD 0.00002; TOPMed 0.00005; ExAC 0.00007.

Submission:

Labcorp Genetics (formerly Invitae), Labcorp
Classification: Uncertain significance. Last evaluated: 2025-01-06. Review status: criteria provided, single submitter. Criteria: Invitae Variant Classification Sherloc (09022015). Collection method: clinical testing. Allele origin: germline.
Comment: This sequence change replaces histidine, which is basic and polar, with arginine, which is basic and polar, at codon 257 of the TSEN34 protein (p.His257Arg). This variant is present in population databases (rs769245129, gnomAD 0.04%). This variant has not been reported in the literature in individuals affected with TSEN34-related conditions. ClinVar contains an entry for this variant (Variation ID: 3022848). An algorithm developed to predict the effect of missense changes on protein structure and function (PolyPhen-2) suggests that this variant is likely to be disruptive. In summary, the available evidence is currently insufficient to determine the role of this variant in disease. Therefore, it has been classified as a Variant of Uncertain Significance.

NM_001077446.4(TSEN34):c.770A>G (p.His257Arg)

Gene: TSEN34 (tRNA splicing endonuclease subunit 34; plus strand). Cytogenetic location: 19q13.42.
Variant type: single nucleotide variant.
Coding change: c.770A>G on transcript NM_001077446.4 (MANE Select); coding-DNA position 770, A replaced by G.
Protein change: p.His257Arg; replaces histidine 257 with arginine.
Molecular consequence: missense variant.
Genome position (GRCh38, 1-based): chr19:54,193,199, A>G. VCF-style: chr19-54193199-A-G. GRCh37 (hg19) VCF-style: chr19-54697054-A-G.
Other names: c.770A>G, p.His257Arg (NM_001282332.2, NM_001282333.2, NM_001386740.1 and 1 more transcripts); short protein forms H257R.
Identifiers: ClinVar variation 3022848 (VCV003022848.3), dbSNP rs769245129, ClinGen allele CA309376217.
Genomic context (GRCh38, chr19:54,193,199, plus strand): 5'-TTGGTCACTGCTTCAGTGCCTCTCTCCTTCCCCCAGGTGACCCCCTCCGCTTCCACGCCC[A>G]TTATATCGCTCAGTGCTGGGCCCCTGAGGACACCATCCCACTCCAAGACCTGGTTGCTGC-3'
Protein context (NP_001070914.1, residues 247-267): YPGDPLRFHA[His257Arg]YIAQCWAPED